The following is an entry in ClinVar:

NM_181523.3(PIK3R1):c.541G>A (p.Val181Ile)

Gene: PIK3R1 (phosphoinositide-3-kinase regulatory subunit 1; plus strand). Cytogenetic location: 5q13.1.
Variant type: single nucleotide variant.
Coding change: c.541G>A on transcript NM_181523.3 (MANE Select); coding-DNA position 541, G replaced by A.
Protein change: p.Val181Ile; replaces valine 181 with isoleucine.
Molecular consequence: missense variant.
Genome position (GRCh38, 1-based): chr5:68,279,640, G>A. VCF-style: chr5-68279640-G-A. GRCh37 (hg19) VCF-style: chr5-67575468-G-A.
Other names: c.541G>A (NM_181523.2); short protein forms V181I.
Identifiers: ClinVar variation 1023742 (VCV001023742.9), dbSNP rs143572224, ClinGen allele CA3290069.

ClinVar aggregate classification (germline): Uncertain significance. Review status: criteria provided, multiple submitters, no conflicts (2 of 4 stars). 2 submissions from 2 submitters: Uncertain significance (2). Last evaluated 2025-06-15.

Conditions:
PIK3R1-related disorder. Also called: PIK3R1-related condition.
Immunodeficiency 36 with lymphoproliferation. Also called: Immunodeficiency 36; ACTIVATED PI3K-DELTA SYNDROME 2; Activated PI3K Delta Syndrome Type 2 (APDS2). Identifiers: Orphanet 397596, Orphanet 693681, MedGen C4014934, MONDO:0014453, OMIM 616005.
Agammaglobulinemia 7, autosomal recessive (AGM7). Also called: AGAMMAGLOBULINEMIA, AUTOSOMAL RECESSIVE, DUE TO PIK3R1 DEFECT. Identifiers: MedGen C3554689, MONDO:0014083, OMIM 615214.
SHORT syndrome. Also called: LIPODYSTROPHY, PARTIAL, WITH RIEGER ANOMALY AND SHORT STATURE; PIK3R1-Related SHORT Syndrome; SHORT STATURE, HYPEREXTENSIBILITY, HERNIA, OCULAR DEPRESSION, RIEGER ANOMALY, AND TEETHING DELAY. Identifiers: Orphanet 3163, MedGen C0878684, MONDO:0010026, OMIM 269880.

Allele frequency attached by ClinVar (database versions not stated): gnomAD 0.00005 and 0.00006; TOPMed 0.00005; ESP Exome Variant Server 0.00008.
gnomAD v4.1: 92 of 1,613,774 alleles (0.0057%); highest among the groups gnomAD compares: African/African-American, 0.016%; no homozygotes.

Submissions (2):

Labcorp Genetics (formerly Invitae), Labcorp
Classification: Uncertain significance for SHORT syndrome; Immunodeficiency 36 with lymphoproliferation; Agammaglobulinemia 7, autosomal recessive. Last evaluated: 2025-06-15. Review status: criteria provided, single submitter. Criteria: Invitae Variant Classification Sherloc (09022015). Collection method: clinical testing. Allele origin: germline.
Comment: This sequence change replaces valine, which is neutral and non-polar, with isoleucine, which is neutral and non-polar, at codon 181 of the PIK3R1 protein (p.Val181Ile). This variant is present in population databases (rs143572224, gnomAD 0.02%). This variant has not been reported in the literature in individuals affected with PIK3R1-related conditions. ClinVar contains an entry for this variant (Variation ID: 1023742). An algorithm developed to predict the effect of missense changes on protein structure and function outputs the following: PolyPhen-2: "Benign". The isoleucine amino acid residue is found in multiple mammalian species, which suggests that this missense change does not adversely affect protein function. In summary, the available evidence is currently insufficient to determine the role of this variant in disease. Therefore, it has been classified as a Variant of Uncertain Significance.

PreventionGenetics, part of Exact Sciences
Classification: Uncertain significance for PIK3R1-related condition. Last evaluated: 2024-10-16. Review status: criteria provided, single submitter. Criteria: ACMG Guidelines, 2015. Collection method: clinical testing. Allele origin: germline.
Comment: The PIK3R1 c.541G>A variant is predicted to result in the amino acid substitution p.Val181Ile. To our knowledge, this variant has not been reported in the literature. This variant is reported in 0.028% of alleles in individuals of African descent in gnomAD, which may be too common to be causative. Although we suspect that this variant may be benign, at this time, the clinical significance of this variant is uncertain due to the absence of conclusive functional and genetic evidence.